The following is an entry in ClinVar:

GRCh38/hg38 1q21.1-21.2(chr1:147029795-148437975)x1

Genes: ACP6 (acid phosphatase 6, lysophosphatidic; minus strand), BCL9 (BCL9 transcription coactivator; plus strand), CHD1L (chromodomain helicase DNA binding protein 1 like; plus strand), FMO5 (flavin containing dimethylaniline monoxygenase 5; minus strand), GJA5 (gap junction protein alpha 5; minus strand) and 52 more. Cytogenetic location: 1q21.1-21.2.
Variant type: copy number loss.
Change: copy number 1 (one copy instead of two) of chr1:147,029,795-148,437,975 (1.41 Mb, GRCh38 coordinates, 1-based), cytogenetic band 1q21.1-21.2.
Identifiers: ClinVar variation 4852071 (VCV004852071.1).

ClinVar aggregate classification (germline): Pathogenic (1 of 4 stars; one submission).

Submission:

Clinical Genomics Laboratory, Laboratory for Precision Diagnostics, University of Washington
Classification: Pathogenic. Last evaluated: 2022-12-01. Review status: criteria provided, single submitter. Criteria: ACMG/ClinGen CNV Guidelines, 2019. Collection method: clinical testing. Allele origin: paternal. Affected: yes. Observed: 1 variant allele.
Comment: This deletion is recurrent and is sometimes referred to as the distal 1q21.1 microdeletion in the medical literature

Literature cited by the submitters: PubMed 33576134.